The following is an entry in ClinVar:

ClinVar aggregate classification (germline): Uncertain significance (1 of 4 stars; one submission).

Allele frequency attached by ClinVar (database versions not stated): TOPMed below 0.00001.

Submission:

Labcorp Genetics (formerly Invitae), Labcorp
Classification: Uncertain significance. Last evaluated: 2022-10-05. Review status: criteria provided, single submitter. Criteria: Invitae Variant Classification Sherloc (09022015). Collection method: clinical testing. Allele origin: germline.
Comment: This variant is not present in population databases (gnomAD no frequency). In summary, the available evidence is currently insufficient to determine the role of this variant in disease. Therefore, it has been classified as a Variant of Uncertain Significance. Advanced modeling of protein sequence and biophysical properties (such as structural, functional, and spatial information, amino acid conservation, physicochemical variation, residue mobility, and thermodynamic stability) has been performed at Invitae for this missense variant, however the output from this modeling did not meet the statistical confidence thresholds required to predict the impact of this variant on SETD5 protein function. ClinVar contains an entry for this variant (Variation ID: 1487977). This variant has not been reported in the literature in individuals affected with SETD5-related conditions. This sequence change replaces glycine, which is neutral and non-polar, with glutamic acid, which is acidic and polar, at codon 1319 of the SETD5 protein (p.Gly1319Glu).

NM_001080517.3(SETD5):c.3956G>A (p.Gly1319Glu)

Gene: SETD5 (SET domain containing 5; plus strand). Cytogenetic location: 3p25.3.
Variant type: single nucleotide variant.
Coding change: c.3956G>A on transcript NM_001080517.3 (MANE Select); coding-DNA position 3956, G replaced by A.
Protein change: p.Gly1319Glu; replaces glycine 1319 with glutamic acid.
Molecular consequence: missense variant.
Genome position (GRCh38, 1-based): chr3:9,475,718, G>A. VCF-style: chr3-9475718-G-A. GRCh37 (hg19) VCF-style: chr3-9517402-G-A.
Other names: c.3662G>A, p.Gly1221Glu (NM_001292043.2, NM_001349451.2); short protein forms G1319E, G1221E.
Identifiers: ClinVar variation 1487977 (VCV001487977.6), dbSNP rs2045789989, ClinGen allele CA351693060.
Genomic context (GRCh38, chr3:9,475,718, plus strand): 5'-ATTCCAGCCCCGCCCACCCTGTGTCCACAGACTCGTTGGCCCCATTTACGGGGACACCAG[G>A]GTATTTTAGCAGCCAGCCACATTCTGGAAACAGCACTGGCAGCAATCTTCCAAGGAGGAG-3'
Protein context (NP_001073986.1, residues 1309-1329): DSLAPFTGTP[Gly1319Glu]YFSSQPHSGN